The following is an entry in ClinVar:

ClinVar aggregate classification (germline): Uncertain significance (1 of 4 stars; one submission).

Allele frequency attached by ClinVar (database versions not stated): gnomAD exomes 0.00002; ExAC 0.00013; gnomAD 0.00015; TOPMed 0.00015.
gnomAD v4.1: 48 of 1,540,012 alleles (0.0031%); highest among the groups gnomAD compares: African/African-American, 0.064%; no homozygotes.

Submission:

Labcorp Genetics (formerly Invitae), Labcorp
Classification: Uncertain significance. Last evaluated: 2024-06-03. Review status: criteria provided, single submitter. Criteria: Invitae Variant Classification Sherloc (09022015). Collection method: clinical testing. Allele origin: germline.
Comment: This sequence change replaces serine, which is neutral and polar, with phenylalanine, which is neutral and non-polar, at codon 7 of the NUP133 protein (p.Ser7Phe). This variant is present in population databases (rs745909095, gnomAD 0.07%), and has an allele count higher than expected for a pathogenic variant. This variant has not been reported in the literature in individuals affected with NUP133-related conditions. ClinVar contains an entry for this variant (Variation ID: 2416683). An algorithm developed to predict the effect of missense changes on protein structure and function (PolyPhen-2) suggests that this variant is likely to be disruptive. In summary, the available evidence is currently insufficient to determine the role of this variant in disease. Therefore, it has been classified as a Variant of Uncertain Significance.

NM_018230.3(NUP133):c.20C>T (p.Ser7Phe)

Genes: NUP133 (nucleoporin 133; minus strand), LOC129932732 (ATAC-STARR-seq lymphoblastoid silent region 1931; plus strand). Cytogenetic location: 1q42.13.
Variant type: single nucleotide variant.
Coding change: c.20C>T on transcript NM_018230.3 (MANE Select); coding-DNA position 20, C replaced by T.
Protein change: p.Ser7Phe; replaces serine 7 with phenylalanine.
Molecular consequence: missense variant.
Genome position (GRCh38, 1-based): chr1:229,508,230, G>A on the plus strand (C>T on the coding strand, the complement: NUP133 is on the minus strand). VCF-style: chr1-229508230-G-A. GRCh37 (hg19) VCF-style: chr1-229643977-G-A.
Other names: short protein forms S7F.
Identifiers: ClinVar variation 2416683 (VCV002416683.6), dbSNP rs745909095, ClinGen allele CA1443975.